The following is an entry in ClinVar:

NM_004366.6(CLCN2):c.2415+6G>A

Gene: CLCN2 (chloride voltage-gated channel 2; minus strand). Cytogenetic location: 3q27.1.
Variant type: single nucleotide variant.
Coding change: c.2415+6G>A on transcript NM_004366.6 (MANE Select); 6 bases into the intron after coding-DNA position 2415, G replaced by A.
Molecular consequence: intron variant.
Genome position (GRCh38, 1-based): chr3:184,352,007, C>T on the plus strand (G>A on the coding strand, the complement: CLCN2 is on the minus strand). VCF-style: chr3-184352007-C-T. GRCh37 (hg19) VCF-style: chr3-184069795-C-T.
Other names: c.2283+6G>A (NM_001171088.3); c.2364+6G>A (NM_001171087.3); c.2415+6G>A (NM_001171089.3).
Identifiers: ClinVar variation 2199127 (VCV002199127.5), dbSNP rs577143355, ClinGen allele CA2733705.
Genomic context (GRCh38, chr3:184,352,007, plus strand): 5'-GGGGACCAAGATCCCCACTGTGTCCTGAGAGCCTAGACCAGCCCTGGGCCAGGCTGCTGG[C>T]CCTACCTTGTGCAAAGAGGTCCGCTCCACCAGCTGGAAGGGAGCAGGATCAATTTTGCAG-3'

ClinVar aggregate classification (germline): Uncertain significance. Review status: criteria provided, multiple submitters, no conflicts (2 of 4 stars). 2 submissions from 2 submitters: Uncertain significance (2). Last evaluated 2024-10-29.

Conditions:
Epilepsy, idiopathic generalized, susceptibility to, 11 (EIG11). Identifiers: Orphanet 307, MedGen C2750893, MONDO:0011875, OMIM 607628.
Familial hyperaldosteronism type II. Also called: FH II. Identifiers: Orphanet 404, MedGen C1854107, MONDO:0011576, OMIM 605635.
Leukoencephalopathy with mild cerebellar ataxia and white matter edema (LKPAT). Also called: Leukoencephalopathy with ataxia; Leukoencephalopathy with white matter edema; Brain white matter edema; CLCN2-Related Leukoencephalopathy. Identifiers: Orphanet 363540, MedGen C4554120, MONDO:0014292, OMIM 615651. Disease mechanism: loss of function.

Allele frequency attached by ClinVar (database versions not stated): ExAC 0.00001; gnomAD 0.00001; TOPMed 0.00003; 1000 Genomes Project 0.00020; 1000 Genomes Project 30x 0.00031.

Submissions (2):

Labcorp Genetics (formerly Invitae), Labcorp
Classification: Uncertain significance. Last evaluated: 2024-10-29. Review status: criteria provided, single submitter. Criteria: Invitae Variant Classification Sherloc (09022015). Collection method: clinical testing. Allele origin: germline.
Comment: This sequence change falls in intron 22 of the CLCN2 gene. It does not directly change the encoded amino acid sequence of the CLCN2 protein. It affects a nucleotide within the consensus splice site. This variant is present in population databases (rs577143355, gnomAD 0.01%). This variant has not been reported in the literature in individuals affected with CLCN2-related conditions. ClinVar contains an entry for this variant (Variation ID: 2199127). Variants that disrupt the consensus splice site are a relatively common cause of aberrant splicing (PMID: 17576681, 9536098). Algorithms developed to predict the effect of sequence changes on RNA splicing suggest that this variant is not likely to affect RNA splicing. In summary, the available evidence is currently insufficient to determine the role of this variant in disease. Therefore, it has been classified as a Variant of Uncertain Significance.

Fulgent Genetics
Classification: Uncertain significance for Familial hyperaldosteronism type II; Epilepsy, idiopathic generalized, susceptibility to, 11; Leukoencephalopathy with mild cerebellar ataxia and white matter edema. Last evaluated: 2024-06-24. Review status: criteria provided, single submitter. Criteria: ACMG Guidelines, 2015. Collection method: clinical testing. Allele origin: germline.

Literature cited by the submitters: PubMed 17576681 (cited by Labcorp Genetics (formerly Invitae), Labcorp); PubMed 9536098 (cited by Labcorp Genetics (formerly Invitae), Labcorp).